The following is an entry in ClinVar:

ClinVar aggregate classification (germline): Likely benign (1 of 4 stars; one submission).

gnomAD v4.1: 202 of 1,612,344 alleles (0.013%); highest among the groups gnomAD compares: East Asian, 0.0045%; no homozygotes.

Submission:

CeGaT Center for Human Genetics Tuebingen
Classification: Likely benign. Last evaluated: 2025-04-01. Review status: criteria provided, single submitter. Criteria: CeGaT Center For Human Genetics Tuebingen Variant Classification Criteria Version 2. Collection method: clinical testing. Allele origin: germline. Affected: yes. Observed: 1 variant allele.
Comment: PRR12: BP4, BP7

NM_020719.3(PRR12):c.5535G>A (p.Ala1845=)

Gene: PRR12 (proline rich 12; plus strand). Cytogenetic location: 19q13.33.
Variant type: single nucleotide variant.
Coding change: c.5535G>A on transcript NM_020719.3 (MANE Select); coding-DNA position 5535, G replaced by A.
Protein change: p.Ala1845=; no amino-acid change (alanine 1845 retained).
Molecular consequence: synonymous variant.
Genome position (GRCh38, 1-based): chr19:49,620,389, G>A. VCF-style: chr19-49620389-G-A. GRCh37 (hg19) VCF-style: chr19-50123646-G-A.
Identifiers: ClinVar variation 3898328 (VCV003898328.7).
Genomic context (GRCh38, chr19:49,620,389, plus strand): 5'-CCTGCGTCCTGTCTTTTCTGCAGAGCGGGCAGTACCTGGGCGTCTGCTCAAAACCAGGGC[G>A]ATGCGGGAGATGTACCGGAGCTACGTGGAGATGTTGGTGAGCACAGCACTTGACCCAGAC-3'
Protein context (NP_065770.1, residues 1835-1855): AVPGRLLKTR[Ala1845=]MREMYRSYVE